The following is an entry in ClinVar:

ClinVar aggregate classification (germline): Uncertain significance (1 of 4 stars; one submission).

gnomAD v4.1: 2 of 1,541,484 alleles (0.00013%); highest among the groups gnomAD compares: East Asian, 0.0049%; no homozygotes.

Submission:

GeneDx
Classification: Uncertain significance. Last evaluated: 2025-03-30. Review status: criteria provided, single submitter. Criteria: GeneDx Variant Classification Process June 2021. Collection method: clinical testing. Allele origin: germline. Affected: yes.
Comment: Not observed at significant frequency in large population cohorts (gnomAD); In silico analysis indicates that this missense variant does not alter protein structure/function; Has not been previously published as pathogenic or benign to our knowledge

NM_006593.4(TBR1):c.1756G>C (p.Ala586Pro)

Gene: TBR1 (T-box brain transcription factor 1; plus strand). Cytogenetic location: 2q24.2.
Variant type: single nucleotide variant.
Coding change: c.1756G>C on transcript NM_006593.4 (MANE Select); coding-DNA position 1756, G replaced by C.
Protein change: p.Ala586Pro; replaces alanine 586 with proline.
Molecular consequence: missense variant.
Genome position (GRCh38, 1-based): chr2:161,423,934, G>C. VCF-style: chr2-161423934-G-C. GRCh37 (hg19) VCF-style: chr2-162280445-G-C.
Other names: short protein forms A586P.
Identifiers: ClinVar variation 4278821 (VCV004278821.1).